The following is an entry in ClinVar:

ClinVar aggregate classification (germline): Uncertain significance. Review status: criteria provided, multiple submitters, no conflicts (2 of 4 stars). 3 submissions from 3 submitters: Uncertain significance (3). Last evaluated 2025-08-20.

Conditions:
Inborn genetic diseases. Identifiers: MedGen C0950123, MeSH D030342.

Allele frequency attached by ClinVar (database versions not stated): gnomAD exomes 0.00010; ExAC 0.00018; gnomAD 0.00029 and 0.00032; TOPMed 0.00039; 1000 Genomes Project 0.00140; 1000 Genomes Project 30x 0.00141.
gnomAD v4.1: 85 of 1,614,094 alleles (0.0053%); highest among the groups gnomAD compares: African/African-American, 0.099%; no homozygotes.

Submissions (3):

Ambry Genetics
Classification: Uncertain significance for Inborn genetic diseases. Last evaluated: 2025-08-20. Review status: criteria provided, single submitter. Criteria: Ambry Variant Classification Scheme 2023. Collection method: clinical testing. Allele origin: germline.

Labcorp Genetics (formerly Invitae), Labcorp
Classification: Uncertain significance. Last evaluated: 2022-07-11. Review status: criteria provided, single submitter. Criteria: Invitae Variant Classification Sherloc (09022015). Collection method: clinical testing. Allele origin: germline.
Comment: This sequence change replaces isoleucine, which is neutral and non-polar, with methionine, which is neutral and non-polar, at codon 195 of the MARVELD2 protein (p.Ile195Met). This variant is present in population databases (rs144870558, gnomAD 0.1%). This variant has not been reported in the literature in individuals affected with MARVELD2-related conditions. ClinVar contains an entry for this variant (Variation ID: 178408). Algorithms developed to predict the effect of missense changes on protein structure and function are either unavailable or do not agree on the potential impact of this missense change (SIFT: "Deleterious"; PolyPhen-2: "Probably Damaging"; Align-GVGD: "Class C0"). In summary, the available evidence is currently insufficient to determine the role of this variant in disease. Therefore, it has been classified as a Variant of Uncertain Significance.

Laboratory for Molecular Medicine, Mass General Brigham Personalized Medicine
Classification: Uncertain significance. Last evaluated: 2017-04-25. Review status: criteria provided, single submitter. Criteria: LMM Criteria. Collection method: clinical testing. Allele origin: germline. Observed: 2 variant alleles.
Comment: This variant has been identified in 0.1% (27/24034) of African chromosomes by the Genome Aggrega tion Database (gnomAD; dbSNP rs14487055 8). Computational prediction tools and conservation analyses do not provide stro ng support for or against an impact to the protein. In summary the clinical sign ificance of the p.Ile195Met variant is uncertain.

NM_001038603.3(MARVELD2):c.585A>G (p.Ile195Met)

Gene: MARVELD2 (MARVEL domain containing 2; plus strand). Cytogenetic location: 5q13.2.
Variant type: single nucleotide variant.
Coding change: c.585A>G on transcript NM_001038603.3 (MANE Select); coding-DNA position 585, A replaced by G.
Protein change: p.Ile195Met; replaces isoleucine 195 with methionine.
Molecular consequence: missense variant.
Genome position (GRCh38, 1-based): chr5:69,419,970, A>G. VCF-style: chr5-69419970-A-G. GRCh37 (hg19) VCF-style: chr5-68715797-A-G.
Other names: c.585A>G, p.Ile195Met (NM_001244734.2); short protein forms I195M.
Identifiers: ClinVar variation 178408 (VCV000178408.7), dbSNP rs144870558, ClinGen allele CA182268.
Genomic context (GRCh38, chr5:69,419,970, plus strand): 5'-GGTGGAGGAGTATAACCTGAGATACTCCTACATGAAGTCGTGGGCAGGCCTGCTGAGAAT[A>G]CTGGGTGTGGTGGAGCTGCTTTTGGGGGCCGGTGTCTTTGCTTGTGTCACAGCTTACATT-3'
Protein context (NP_001033692.2, residues 185-205): YMKSWAGLLR[Ile195Met]LGVVELLLGA